The following is an entry in ClinVar:

ClinVar aggregate classification (germline): Uncertain significance (1 of 4 stars; one submission).

Conditions:
Nephronophthisis. Also called: Juvenile Nephronophthisis. Identifiers: Orphanet 655, MedGen C0687120, MONDO:0019005, HP:0000090.

Submission:

Labcorp Genetics (formerly Invitae), Labcorp
Classification: Uncertain significance for Nephronophthisis. Last evaluated: 2022-06-10. Review status: criteria provided, single submitter. Criteria: Invitae Variant Classification Sherloc (09022015). Collection method: clinical testing. Allele origin: germline.
Comment: In summary, the available evidence is currently insufficient to determine the role of this variant in disease. Therefore, it has been classified as a Variant of Uncertain Significance. Algorithms developed to predict the effect of missense changes on protein structure and function are either unavailable or do not agree on the potential impact of this missense change (SIFT: "Deleterious"; PolyPhen-2: "Benign"; Align-GVGD: "Class C0"). This variant has not been reported in the literature in individuals affected with NPHP3-related conditions. This variant is not present in population databases (gnomAD no frequency). This sequence change replaces isoleucine, which is neutral and non-polar, with valine, which is neutral and non-polar, at codon 16 of the NPHP3 protein (p.Ile16Val).

NM_153240.5(NPHP3):c.46A>G (p.Ile16Val)

Genes: NPHP3 (nephrocystin 3; minus strand), NPHP3-ACAD11 (NPHP3-ACAD11 readthrough (NMD candidate); minus strand), NPHP3-AS1 (NPHP3 antisense RNA 1; plus strand), LOC129937586 (ATAC-STARR-seq lymphoblastoid silent region 14743; plus strand). Cytogenetic location: 3q22.1.
Variant type: single nucleotide variant.
Coding change: c.46A>G on transcript NM_153240.5 (MANE Select); coding-DNA position 46, A replaced by G.
Protein change: p.Ile16Val; replaces isoleucine 16 with valine.
Molecular consequence: missense variant. On other transcripts: non-coding transcript variant (3).
Genome position (GRCh38, 1-based): chr3:132,722,310, T>C on the plus strand (A>G on the coding strand, the complement: NPHP3 is on the minus strand). VCF-style: chr3-132722310-T-C. GRCh37 (hg19) VCF-style: chr3-132441154-T-C.
Other names: short protein forms I16V.
Identifiers: ClinVar variation 2003928 (VCV002003928.4), dbSNP rs2530523090, ClinGen allele CA354590190.
Genomic context (GRCh38, chr3:132,722,310, plus strand): 5'-GCTTCACCTCCACCGGGATCTCGCAGGCCTCGCCGCCGCCCGCCCCGTACGTGTCCTCGA[T>C]CACTTCCCCGCCCGCGGGGCTCACGAGCGACGAGGCGGTCCCCATGGCGTCCGTTGCCGC-3'
Protein context (NP_694972.3, residues 6-26): SLVSPAGGEV[Ile16Val]EDTYGAGGGE